The following is an entry in ClinVar:

ClinVar aggregate classification (germline): Uncertain significance. Review status: criteria provided, multiple submitters, no conflicts (2 of 4 stars). 2 submissions from 2 submitters: Uncertain significance (2). Last evaluated 2025-08-27.

Conditions:
Cataract 30 (CTRCT30). Also called: CATARACT 30, PULVERULENT. Identifiers: Orphanet 91492, Orphanet 98984, Orphanet 98992, MedGen C3805411, MONDO:0007286, OMIM 116300.

gnomAD v4.1: 25 of 1,612,700 alleles (0.0016%); highest among the groups gnomAD compares: African/African-American, 0.033%; no homozygotes.

Submissions (2):

Ambry Genetics
Classification: Uncertain significance. Last evaluated: 2025-08-27. Review status: criteria provided, single submitter. Criteria: Ambry Variant Classification Scheme 2023. Collection method: clinical testing. Allele origin: germline.

Labcorp Genetics (formerly Invitae), Labcorp
Classification: Uncertain significance for Cataract 30. Last evaluated: 2025-04-12. Review status: criteria provided, single submitter. Criteria: Invitae Variant Classification Sherloc (09022015). Collection method: clinical testing. Allele origin: germline.
Comment: This sequence change replaces leucine, which is neutral and non-polar, with valine, which is neutral and non-polar, at codon 164 of the VIM protein (p.Leu164Val). This variant is present in population databases (rs377524590, gnomAD 0.04%). This variant has not been reported in the literature in individuals affected with VIM-related conditions. Invitae Evidence Modeling of protein sequence and biophysical properties (such as structural, functional, and spatial information, amino acid conservation, physicochemical variation, residue mobility, and thermodynamic stability) indicates that this missense variant is not expected to disrupt VIM protein function with a negative predictive value of 80%. In summary, the available evidence is currently insufficient to determine the role of this variant in disease. Therefore, it has been classified as a Variant of Uncertain Significance.

NM_003380.5(VIM):c.490C>G (p.Leu164Val)

Genes: VIM (vimentin; plus strand), VIM-AS1 (VIM antisense RNA 1; minus strand). Cytogenetic location: 10p13.
Variant type: single nucleotide variant.
Coding change: c.490C>G on transcript NM_003380.5 (MANE Select); coding-DNA position 490, C replaced by G.
Protein change: p.Leu164Val; replaces leucine 164 with valine.
Molecular consequence: missense variant. On other transcripts: non-coding transcript variant (1).
Genome position (GRCh38, 1-based): chr10:17,229,912, C>G. VCF-style: chr10-17229912-C-G. GRCh37 (hg19) VCF-style: chr10-17271911-C-G.
Other names: short protein forms L164V.
Identifiers: ClinVar variation 4198802 (VCV004198802.2).
Genomic context (GRCh38, chr10:17,229,912, plus strand): 5'-TCGCGCCTGGGGGACCTCTACGAGGAGGAGATGCGGGAGCTGCGCCGGCAGGTGGACCAG[C>G]TAACCAACGACAAAGCCCGCGTCGAGGTGGAGCGCGACAACCTGGCCGAGGACATCATGC-3'
Protein context (NP_003371.2, residues 154-174): MRELRRQVDQ[Leu164Val]TNDKARVEVE